The following is an entry in ClinVar:

NM_000315.4(PTH):c.-5-10G>A

Gene: PTH (parathyroid hormone; minus strand). Cytogenetic location: 11p15.3.
Variant type: single nucleotide variant.
Coding change: c.-5-10G>A on transcript NM_000315.4 (MANE Select); 10 bases into the intron before 5 bases upstream of the start codon, G replaced by A.
Molecular consequence: intron variant.
Genome position (GRCh38, 1-based): chr11:13,492,870, C>T on the plus strand (G>A on the coding strand, the complement: PTH is on the minus strand). VCF-style: chr11-13492870-C-T. GRCh37 (hg19) VCF-style: chr11-13514417-C-T.
Other names: c.92-10G>A (NM_001316352.2).
Identifiers: ClinVar variation 255816 (VCV000255816.14), dbSNP rs694, ClinGen allele CA5893224.

ClinVar aggregate classification (germline): Benign/Likely benign. Review status: criteria provided, multiple submitters, no conflicts (2 of 4 stars). 6 submissions from 6 submitters: Benign (5); Likely benign (1). Last evaluated 2024-11-27.

Conditions:
Hypoparathyroidism, familial isolated 1 (FIH1). Identifiers: MedGen C5241444, MONDO:0007796, OMIM 146200.
Familial hypoparathyroidism. Also called: Familial isolated hypoparathyroidism. Identifiers: Orphanet 2238, MedGen C1832648, MONDO:0016390.

Allele frequency attached by ClinVar (database versions not stated): 1000 Genomes Project 30x 0.41380; 1000 Genomes Project 0.41773; TOPMed 0.47806; gnomAD 0.50325 and 0.50599; ESP Exome Variant Server 0.51371; gnomAD exomes 0.54641 and 0.60410; ExAC 0.55792.
gnomAD v4.1: 954,057 of 1,606,000 alleles (59%); highest among the groups gnomAD compares: Non-Finnish European, 63%; 292,652 homozygotes.

Submissions (6):

Blueprint Genetics
Classification: Likely benign. Last evaluated: 2024-11-27. Review status: criteria provided, single submitter. Criteria: ACMG Guidelines, 2015. Collection method: clinical testing. Allele origin: germline.

Genome-Nilou Lab
Classification: Benign for Hypoparathyroidism, familial isolated 1. Last evaluated: 2021-11-07. Review status: criteria provided, single submitter. Criteria: ACMG Guidelines, 2015. Collection method: clinical testing. Allele origin: germline. Affected: no.

Illumina Laboratory Services, Illumina
Classification: Benign for Hypoparathyroidism, familial isolated 1. Last evaluated: 2018-01-12. Review status: criteria provided, single submitter. Criteria: ICSL Variant Classification Criteria 13 December 2019. Collection method: clinical testing. Allele origin: germline.
Comment: This variant was observed in the ICSL laboratory as part of a predisposition screen in an ostensibly healthy population. It had not been previously curated by ICSL or reported in the Human Gene Mutation Database (HGMD: prior to June 1st, 2018), and was therefore a candidate for classification through an automated scoring system. Utilizing variant allele frequency, disease prevalence and penetrance estimates, and inheritance mode, an automated score was calculated to assess if this variant is too frequent to cause the disease. Based on the score and internal cut-off values, a variant classified as benign is not then subjected to further curation. The score for this variant resulted in a classification of benign for this disease.

Laboratory for Molecular Medicine, Mass General Brigham Personalized Medicine
Classification: Benign. Last evaluated: 2016-03-21. Review status: criteria provided, single submitter. Criteria: LMM Criteria. Collection method: clinical testing. Allele origin: germline. Observed: 1 variant allele.
Comment: c.-5-10G>A in intron 1 of PTH: This variant is not expected to have clinical sig nificance because it has been identified in 65.16% (41876/64266) of European chr omosomes by the Exome Aggregation Consortium (ExAC, rg; dbSNP rs694).

Breakthrough Genomics
Classification: Benign. Review status: criteria provided, single submitter. Criteria: ACMG Guidelines, 2015. Collection method: not provided. Allele origin: germline. Inheritance: Autosomal dominant inheritance. Affected: yes.

PreventionGenetics, part of Exact Sciences
Classification: Benign. Review status: criteria provided, single submitter. Criteria: ACMG Guidelines, 2015. Collection method: clinical testing. Allele origin: germline.